The following is an entry in ClinVar:

ClinVar aggregate classification (germline): Uncertain significance. Review status: criteria provided, multiple submitters, no conflicts (2 of 4 stars). 2 submissions from 2 submitters: Uncertain significance (2). Last evaluated 2025-12-11.

Conditions:
Inborn genetic diseases. Identifiers: MedGen C0950123, MeSH D030342.

gnomAD v4.1: 277 of 1,604,678 alleles (0.017%); highest among the groups gnomAD compares: Admixed American, 0.032%; no homozygotes.

Submissions (2):

Ambry Genetics
Classification: Uncertain significance for Inborn genetic diseases. Last evaluated: 2025-12-11. Review status: criteria provided, single submitter. Criteria: Ambry Variant Classification Scheme 2023. Collection method: clinical testing. Allele origin: germline.

Labcorp Genetics (formerly Invitae), Labcorp
Classification: Uncertain significance. Last evaluated: 2025-08-12. Review status: criteria provided, single submitter. Criteria: Invitae Variant Classification Sherloc (09022015). Collection method: clinical testing. Allele origin: germline.
Comment: This sequence change replaces proline, which is neutral and non-polar, with glutamine, which is neutral and polar, at codon 604 of the COL17A1 protein (p.Pro604Gln). This variant is present in population databases (rs200866254, gnomAD 0.05%). This variant has not been reported in the literature in individuals affected with COL17A1-related conditions. Invitae Evidence Modeling of protein sequence and biophysical properties (such as structural, functional, and spatial information, amino acid conservation, physicochemical variation, residue mobility, and thermodynamic stability) indicates that this missense variant is not expected to disrupt COL17A1 protein function with a negative predictive value of 80%. In summary, the available evidence is currently insufficient to determine the role of this variant in disease. Therefore, it has been classified as a Variant of Uncertain Significance.

NM_000494.4(COL17A1):c.1811C>A (p.Pro604Gln)

Gene: COL17A1 (collagen type XVII alpha 1 chain; minus strand). Cytogenetic location: 10q25.1.
Variant type: single nucleotide variant.
Coding change: c.1811C>A on transcript NM_000494.4 (MANE Select); coding-DNA position 1811, C replaced by A.
Protein change: p.Pro604Gln; replaces proline 604 with glutamine.
Molecular consequence: missense variant.
Genome position (GRCh38, 1-based): chr10:104,053,943, G>T on the plus strand (C>A on the coding strand, the complement: COL17A1 is on the minus strand). VCF-style: chr10-104053943-G-T. GRCh37 (hg19) VCF-style: chr10-105813701-G-T.
Other names: short protein forms P604Q.
Identifiers: ClinVar variation 4616175 (VCV004616175.2).
Genomic context (GRCh38, chr10:104,053,943, plus strand): 5'-TGAGGAATAAATGAATAAAGAAAAATGTGTTTCTTACCCACGCTGCCTTTTTGACCCTTT[G>T]GTCCTTGTGGACCTGGGTGGCCCAAGGGCCCAGGGATACCTGTGAACACACAAGGATATC-3'
Protein context (NP_000485.3, residues 594-614): GPLGHPGPQG[Pro604Gln]KGQKGSVGDP